The following is an entry in ClinVar:

NM_000039.3(APOA1):c.547C>G (p.Leu183Val)

Gene: APOA1 (apolipoprotein A1; minus strand). Cytogenetic location: 11q23.3.
Variant type: single nucleotide variant.
Coding change: c.547C>G on transcript NM_000039.3 (MANE Select); coding-DNA position 547, C replaced by G.
Protein change: p.Leu183Val; replaces leucine 183 with valine.
Molecular consequence: missense variant.
Genome position (GRCh38, 1-based): chr11:116,836,065, G>C on the plus strand (C>G on the coding strand, the complement: APOA1 is on the minus strand). VCF-style: chr11-116836065-G-C. GRCh37 (hg19) VCF-style: chr11-116706781-G-C.
Other names: c.220C>G, p.Leu74Val (NM_001425091.1, NM_001425092.1, NM_001318021.2); c.502C>G, p.Leu168Val (NM_001425093.1); c.547C>G, p.Leu183Val (NM_001318017.2, NM_001318018.2, NM_001425090.1); short protein forms L74V, L168V, L183V.
Identifiers: ClinVar variation 5026443 (VCV005026443.1).

ClinVar aggregate classification (germline): Uncertain significance (1 of 4 stars; one submission).

Conditions:
Cardiovascular phenotype. Identifiers: MedGen CN230736.

Submission:

Ambry Genetics
Classification: Uncertain significance for Cardiovascular phenotype. Last evaluated: 2026-09-06. Review status: criteria provided, single submitter. Criteria: Ambry Variant Classification Scheme 2023. Collection method: clinical testing. Allele origin: germline.
Comment: The p.L183V variant (also known as c.547C>G), located in coding exon 3 of the APOA1 gene, results from a C to G substitution at nucleotide position 547. The leucine at codon 183 is replaced by valine, an amino acid with highly similar properties. This amino acid position is conserved. In addition, this alteration is predicted to be tolerated by in silico analysis. Based on the available evidence, the clinical significance of this variant remains unclear.